The following is an entry in ClinVar:

ClinVar aggregate classification (germline): Uncertain significance (1 of 4 stars; one submission).

Conditions:
Primary ciliary dyskinesia 32. Also called: CILIARY DYSKINESIA, PRIMARY, 32, WITHOUT SITUS INVERSUS. Identifiers: Orphanet 244, MedGen C4225311, MONDO:0014657, OMIM 616481.

gnomAD v4.1: 12 of 1,611,360 alleles (0.00074%); highest among the groups gnomAD compares: Admixed American, 0.0033%; no homozygotes.

Submission:

Labcorp Genetics (formerly Invitae), Labcorp
Classification: Uncertain significance for Primary ciliary dyskinesia 32. Last evaluated: 2023-10-13. Review status: criteria provided, single submitter. Criteria: Invitae Variant Classification Sherloc (09022015). Collection method: clinical testing. Allele origin: germline.
Comment: This sequence change replaces arginine, which is basic and polar, with histidine, which is basic and polar, at codon 18 of the RSPH3 protein (p.Arg18His). This variant is present in population databases (rs778661797, gnomAD 0.009%). This variant has not been reported in the literature in individuals affected with RSPH3-related conditions. ClinVar contains an entry for this variant (Variation ID: 1506048). Algorithms developed to predict the effect of missense changes on protein structure and function output the following: SIFT: "Not Available"; PolyPhen-2: "Benign"; Align-GVGD: "Not Available". The histidine amino acid residue is found in multiple mammalian species, which suggests that this missense change does not adversely affect protein function. In summary, the available evidence is currently insufficient to determine the role of this variant in disease. Therefore, it has been classified as a Variant of Uncertain Significance.

NM_031924.8(RSPH3):c.-374G>A

Genes: RSPH3 (radial spoke head 3; minus strand), TAGAP-AS1 (TAGAP antisense RNA 1; plus strand). Cytogenetic location: 6q25.3.
Variant type: single nucleotide variant.
Coding change: c.-374G>A on transcript NM_031924.8 (MANE Select); 374 bases upstream of the start codon, G replaced by A.
Molecular consequence: 5 prime UTR variant. On other transcripts: missense variant (1), non-coding transcript variant (1).
Genome position (GRCh38, 1-based): chr6:158,999,924, C>T on the plus strand (G>A on the coding strand, the complement: RSPH3 is on the minus strand). VCF-style: chr6-158999924-C-T. GRCh37 (hg19) VCF-style: chr6-159420956-C-T.
Other names: c.53G>A, p.Arg18His (NM_001346418.1); short protein forms R18H.
Identifiers: ClinVar variation 1506048 (VCV001506048.6), dbSNP rs778661797, ClinGen allele CA4076121.